The following is an entry in ClinVar:

NM_001286611.2(REPS1):c.1723C>G (p.Gln575Glu)

Gene: REPS1 (RALBP1 associated Eps domain containing 1; minus strand). Cytogenetic location: 6q24.1.
Variant type: single nucleotide variant.
Coding change: c.1723C>G on transcript NM_001286611.2 (MANE Select); coding-DNA position 1723, C replaced by G.
Protein change: p.Gln575Glu; replaces glutamine 575 with glutamic acid.
Molecular consequence: missense variant.
Genome position (GRCh38, 1-based): chr6:138,914,759, G>C on the plus strand (C>G on the coding strand, the complement: REPS1 is on the minus strand). VCF-style: chr6-138914759-G-C. GRCh37 (hg19) VCF-style: chr6-139235896-G-C.
Other names: c.1642C>G, p.Gln548Glu (NM_001128617.3); c.1450C>G, p.Gln484Glu (NM_001286612.2); c.1720C>G, p.Gln574Glu (NM_031922.5); short protein forms Q484E, Q575E, Q548E, Q574E.
Identifiers: ClinVar variation 1934318 (VCV001934318.5), dbSNP rs1185076016, ClinGen allele CA365808558.
Genomic context (GRCh38, chr6:138,914,759, plus strand): 5'-GTGAGGGCTGTGGTCTTGGAGGCACTGCAGGAGGATGGGCAACAACTCCAGCCTGTTGTT[G>C]TCCTGCATGAATACAAAAGTTCTTCTTTTTAGTAACTGTATAATCACTTTGTTAATAGAA-3'
Protein context (NP_001273540.1, residues 565-585): MNRTFTVTTG[Gln575Glu]QQAGVVAHPP

ClinVar aggregate classification (germline): Uncertain significance (1 of 4 stars; one submission).

Submission:

Labcorp Genetics (formerly Invitae), Labcorp
Classification: Uncertain significance. Last evaluated: 2022-09-02. Review status: criteria provided, single submitter. Criteria: Invitae Variant Classification Sherloc (09022015). Collection method: clinical testing. Allele origin: germline.
Comment: In summary, the available evidence is currently insufficient to determine the role of this variant in disease. Therefore, it has been classified as a Variant of Uncertain Significance. Algorithms developed to predict the effect of missense changes on protein structure and function (SIFT, PolyPhen-2, Align-GVGD) all suggest that this variant is likely to be tolerated. This variant has not been reported in the literature in individuals affected with REPS1-related conditions. This variant is not present in population databases (gnomAD no frequency). This sequence change replaces glutamine, which is neutral and polar, with glutamic acid, which is acidic and polar, at codon 575 of the REPS1 protein (p.Gln575Glu).